The following is an entry in ClinVar:

ClinVar aggregate classification (germline): Likely benign. Review status: criteria provided, multiple submitters, no conflicts (2 of 4 stars). 3 submissions from 3 submitters: Likely benign (2). 1 of the submissions does not count toward it. Last evaluated 2026-01-20.

Conditions:
CDH23-related disorder. Also called: CDH23-related condition; CDH23-related disorders.

Allele frequency attached by ClinVar (database versions not stated): gnomAD below 0.00001 and 0.00006; TOPMed below 0.00001; gnomAD exomes 0.00025; ExAC 0.00054; 1000 Genomes Project 30x 0.00078; 1000 Genomes Project 0.00080.
gnomAD v4.1: 177 of 1,570,348 alleles (0.011%); highest among the groups gnomAD compares: South Asian, 0.19%; 1 homozygote.

Submissions (3):

Labcorp Genetics (formerly Invitae), Labcorp
Classification: Likely benign. Last evaluated: 2026-01-20. Review status: criteria provided, single submitter. Criteria: Invitae Variant Classification Sherloc (09022015). Collection method: clinical testing. Allele origin: germline.

Blueprint Genetics
Classification: Likely benign. Last evaluated: 2024-07-08. Review status: criteria provided, single submitter. Criteria: ACMG Guidelines, 2015. Collection method: clinical testing. Allele origin: germline.

PreventionGenetics, part of Exact Sciences
Classification: Likely benign for CDH23-related condition. Last evaluated: 2024-08-02. Review status: no assertion criteria provided. Collection method: clinical testing. Allele origin: germline. Not counted in ClinVar's aggregate classification.
Comment: This variant is classified as likely benign based on ACMG/AMP sequence variant interpretation guidelines (Richards et al. 2015 PMID: 25741868, with internal and published modifications).

NM_022124.6(CDH23):c.8088G>A (p.Leu2696=)

Gene: CDH23 (cadherin related 23; plus strand). Cytogenetic location: 10q22.1.
Variant type: single nucleotide variant.
Coding change: c.8088G>A on transcript NM_022124.6 (MANE Select); coding-DNA position 8088, G replaced by A.
Protein change: p.Leu2696=; no amino-acid change (leucine 2696 retained).
Molecular consequence: synonymous variant.
Genome position (GRCh38, 1-based): chr10:71,806,191, G>A. VCF-style: chr10-71806191-G-A. GRCh37 (hg19) VCF-style: chr10-73565948-G-A.
Other names: c.1368G>A, p.Leu456= (NM_001171933.1, NM_001171934.1).
Identifiers: ClinVar variation 741997 (VCV000741997.13), dbSNP rs528978563, ClinGen allele CA5546545.